The following is an entry in ClinVar:

NM_000089.4(COL1A2):c.1990G>C (p.Gly664Arg)

Gene: COL1A2 (collagen type I alpha 2 chain; plus strand). Cytogenetic location: 7q21.3.
Variant type: single nucleotide variant.
Coding change: c.1990G>C on transcript NM_000089.4 (MANE Select); coding-DNA position 1990, G replaced by C.
Protein change: p.Gly664Arg; replaces glycine 664 with arginine.
Molecular consequence: missense variant.
Genome position (GRCh38, 1-based): chr7:94,418,517, G>C. VCF-style: chr7-94418517-G-C. GRCh37 (hg19) VCF-style: chr7-94047829-G-C.
Other names: short protein forms G664R.
Identifiers: ClinVar variation 2430842 (VCV002430842.4), dbSNP rs2484722803, ClinGen allele CA368223020.
Genomic context (GRCh38, chr7:94,418,517, plus strand): 5'-TTGGTCAGAAAACAAAAAGTTGCTCTTGCTTTATACTTTCAGGGTGAACCTGGTCTCAGA[G>C]GTGAAATTGGTAACCCTGGCAGAGATGGTGCTCGTGTGAGTAGAATTTTGTTTGTATGTT-3'
Protein context (NP_000080.2, residues 654-674): KGEKGEPGLR[Gly664Arg]EIGNPGRDGA

ClinVar aggregate classification (germline): Pathogenic. Review status: criteria provided, multiple submitters, no conflicts (2 of 4 stars). 2 submissions from 2 submitters: Pathogenic (2). Last evaluated 2023-10-13.

Conditions:
Ehlers-Danlos syndrome, classic type, 1 (EDSCL1). Also called: EDS I; EHLERS-DANLOS SYNDROME, GRAVIS TYPE; EHLERS-DANLOS SYNDROME, SEVERE CLASSIC TYPE; Ehlers-Danlos syndrome, type 1; Ehlers-Danlos Syndrome, Classic Type, COL5A1-Related. Identifiers: MedGen C0268335, MONDO:0019567, OMIM 130000.
Osteogenesis imperfecta type I (OI1). Also called: Classic Non-deforming Osteogenesis Imperfecta with Blue Sclerae; OI, TYPE I; OSTEOGENESIS IMPERFECTA TARDA; OSTEOGENESIS IMPERFECTA WITH BLUE SCLERAE; Osteogenesis imperfecta type 1; Lobstein's Disease. Identifiers: Orphanet 216796, Orphanet 666, MedGen C0023931, MONDO:0008146, OMIM 166200. Disease mechanism: loss of function.

Submissions (2):

Labcorp Genetics (formerly Invitae), Labcorp
Classification: Pathogenic for Osteogenesis imperfecta type I; Ehlers-Danlos syndrome, classic type, 1. Last evaluated: 2023-10-13. Review status: criteria provided, single submitter. Criteria: Invitae Variant Classification Sherloc (09022015). Collection method: clinical testing. Allele origin: germline.
Comment: This sequence change replaces glycine, which is neutral and non-polar, with arginine, which is basic and polar, at codon 664 of the COL1A2 protein (p.Gly664Arg). This variant is not present in population databases (gnomAD no frequency). This missense change has been observed in individual(s) with autosomal dominant osteogenesis imperfecta (PMID: 7487936, 28981938). ClinVar contains an entry for this variant (Variation ID: 2430842). Advanced modeling of protein sequence and biophysical properties (such as structural, functional, and spatial information, amino acid conservation, physicochemical variation, residue mobility, and thermodynamic stability) performed at Invitae indicates that this missense variant is expected to disrupt COL1A2 protein function. This variant disrupts the triple helix domain of COL1A2. Glycine residues within the Gly-Xaa-Yaa repeats of the triple helix domain are required for the structure and stability of fibrillar collagens (PMID: 7695699, 8218237, 19344236). In COL1A2, variants affecting these glycine residues are significantly enriched in individuals with disease (PMID: 9016532, 17078022) compared to the general population (ExAC). For these reasons, this variant has been classified as Pathogenic.

GeneDx
Classification: Pathogenic. Last evaluated: 2022-08-17. Review status: criteria provided, single submitter. Criteria: GeneDx Variant Classification Process June 2021. Collection method: clinical testing. Allele origin: germline. Affected: yes.
Comment: Reported in a patient with osteogenesis imperfecta in published literature (Bai et al., 2017); additional details not available; Occurs in the triple helical domain and replaces a glycine in a canonical Gly-X-Y repeat; missense substitution of a canonical glycine residue is expected to disrupt normal protein folding and function, and this is an established mechanism of disease (Jovanovic et al., 2021); Not observed at significant frequency in large population cohorts (gnomAD); In silico analysis supports that this missense variant has a deleterious effect on protein structure/function; This variant is associated with the following publications: (PMID: 28981938, 34007986)

Literature cited by the submitters: PubMed 7487936 (cited by Labcorp Genetics (formerly Invitae), Labcorp); PubMed 28981938 (cited by Labcorp Genetics (formerly Invitae), Labcorp); PubMed 7695699 (cited by Labcorp Genetics (formerly Invitae), Labcorp); PubMed 8218237 (cited by Labcorp Genetics (formerly Invitae), Labcorp); PubMed 19344236 (cited by Labcorp Genetics (formerly Invitae), Labcorp); PubMed 9016532 (cited by Labcorp Genetics (formerly Invitae), Labcorp); PubMed 17078022 (cited by Labcorp Genetics (formerly Invitae), Labcorp).